The following is an entry in ClinVar:

ClinVar aggregate classification (germline): Uncertain significance. Review status: criteria provided, multiple submitters, no conflicts (2 of 4 stars). 3 submissions from 3 submitters: Uncertain significance (3). Last evaluated 2025-06-08.

Conditions:
Hereditary cancer-predisposing syndrome. Also called: Hereditary Cancer Syndrome; Hereditary neoplastic syndrome; Neoplastic Syndromes, Hereditary; Tumor predisposition. Identifiers: Orphanet 140162, MedGen C0027672, MeSH D009386, MONDO:0015356.

Allele frequency attached by ClinVar (database versions not stated): gnomAD exomes below 0.00001 and 0.00001; TOPMed 0.00001.
gnomAD v4.1: 4 of 1,613,136 alleles (0.00025%); highest among the groups gnomAD compares: East Asian, 0.0089%; no homozygotes.

Submissions (3):

Ambry Genetics
Classification: Uncertain significance for Hereditary cancer-predisposing syndrome. Last evaluated: 2025-06-08. Review status: criteria provided, single submitter. Criteria: Ambry Variant Classification Scheme 2023. Collection method: clinical testing. Allele origin: germline.
Comment: The p.V1311I variant (also known as c.3931G>A), located in coding exon 25 of the RAD50 gene, results from a G to A substitution at nucleotide position 3931. The valine at codon 1311 is replaced by isoleucine, an amino acid with highly similar properties. This amino acid position is well conserved in available vertebrate species. In addition, this alteration is predicted to be tolerated by in silico analysis. Since supporting evidence is limited at this time, the clinical significance of this alteration remains unclear.

Quest Diagnostics Nichols Institute San Juan Capistrano
Classification: Uncertain significance. Last evaluated: 2024-03-21. Review status: criteria provided, single submitter. Criteria: Quest Diagnostics criteria. Collection method: clinical testing. Allele origin: unknown.
Comment: The RAD50 c.3931G>A (p.Val1311Ile) variant has been reported in the published literature in an individual with breast cancer as well as reportedly healthy individuals (PMID: 33471991 (2021), see also LOVD). The frequency of this variant in the general population, 0.00016 (3/18394 chromosomes (Genome Aggregation Database)), is uninformative in the assessment of its pathogenicity. Analysis of this variant using bioinformatics tools for the prediction of the effect of amino acid changes on protein structure and function yielded predictions that this variant is benign. Based on the available information, we are unable to determine the clinical significance of this variant.

Labcorp Genetics (formerly Invitae), Labcorp
Classification: Uncertain significance for Hereditary cancer-predisposing syndrome. Last evaluated: 2023-10-22. Review status: criteria provided, single submitter. Criteria: Invitae Variant Classification Sherloc (09022015). Collection method: clinical testing. Allele origin: germline.
Comment: This sequence change replaces valine, which is neutral and non-polar, with isoleucine, which is neutral and non-polar, at codon 1311 of the RAD50 protein (p.Val1311Ile). This variant is present in population databases (no rsID available, gnomAD 0.02%). This variant has not been reported in the literature in individuals affected with RAD50-related conditions. ClinVar contains an entry for this variant (Variation ID: 216632). An algorithm developed to predict the effect of missense changes on protein structure and function (PolyPhen-2) suggests that this variant is likely to be tolerated. In summary, the available evidence is currently insufficient to determine the role of this variant in disease. Therefore, it has been classified as a Variant of Uncertain Significance.

Literature cited by the submitters: PubMed 33471991 (cited by Quest Diagnostics Nichols Institute San Juan Capistrano).

NM_005732.4(RAD50):c.3931G>A (p.Val1311Ile)

Genes: TH2LCRR (T helper type 2 locus control region associated RNA; minus strand), RAD50 (RAD50 double strand break repair protein; plus strand). Cytogenetic location: 5q31.1.
Variant type: single nucleotide variant.
Coding change: c.3931G>A on transcript NM_005732.4 (MANE Select); coding-DNA position 3931, G replaced by A.
Protein change: p.Val1311Ile; replaces valine 1311 with isoleucine.
Molecular consequence: missense variant.
Genome position (GRCh38, 1-based): chr5:132,642,356, G>A. VCF-style: chr5-132642356-G-A. GRCh37 (hg19) VCF-style: chr5-131978048-G-A.
Other names: short protein forms V1311I.
Identifiers: ClinVar variation 216632 (VCV000216632.15), dbSNP rs863224743, ClinGen allele CA338979.